The following is an entry in ClinVar:

NM_017780.4(CHD7):c.4842dup (p.Val1615fs)

Gene: CHD7 (chromodomain helicase DNA binding protein 7; plus strand). Cytogenetic location: 8q12.2.
Variant type: Duplication.
Coding change: c.4842dup on transcript NM_017780.4 (MANE Select); coding-DNA position 4842, one base duplicated (T; older notation c.4842dupT).
Protein change: p.Val1615fs; shifts the reading frame from valine 1615.
Molecular consequence: frameshift variant. On other transcripts: intron variant (1).
Genome position (GRCh38, 1-based): chr8:60,842,044, T duplicated; the last of 2 consecutive T bases (chr8:60,842,043-60,842,044); duplicating either gives the same sequence. VCF-style (leftmost placement, unchanged base first): chr8-60842042-C-CT. GRCh37 (hg19) VCF-style: chr8-61754601-C-CT.
Other names: c.1717-20185dup (NM_001316690.1); short protein forms V1615fs.
Identifiers: ClinVar variation 3254734 (VCV003254734.1), dbSNP rs2487948501.

ClinVar aggregate classification (germline): Pathogenic (1 of 4 stars; one submission).

Conditions:
CHARGE syndrome (CHARGE). Also called: Hittner Hirsch Kreh syndrome; CHARGE ASSOCIATION--COLOBOMA, HEART ANOMALY, CHOANAL ATRESIA, RETARDATION, GENITAL AND EAR ANOMALIES; Coloboma, heart anomaly, choanal atresia, retardation, genital and ear anomalies; CHARGE association; Hall-Hittner syndrome. Identifiers: Orphanet 138, MedGen C0265354, MONDO:0008965.

Submission:

Victorian Clinical Genetics Services, Murdoch Childrens Research Institute
Classification: Pathogenic for CHD7-related CHARGE syndrome. Last evaluated: 2023-07-17. Review status: criteria provided, single submitter. Criteria: ACMG Guidelines, 2015. Collection method: clinical testing. Allele origin: germline. Inheritance: Autosomal dominant inheritance. Affected: yes.
Comment: Based on the classification scheme VCGS_Germline_v1.3.4, this variant is classified as Pathogenic. Following criteria are met: 0102 - Loss of function is a known mechanism of disease in this gene and is associated with CHARGE syndrome (MIM#214800) and hypogonadotropic hypogonadism 5 with or without anosmia (MIM#612370). (I) 0107 - This gene is associated with autosomal dominant disease. (I) 0201 - Variant is predicted to cause nonsense-mediated decay (NMD) and loss of protein (premature termination codon is located at least 54 nucleotides upstream of the final exon-exon junction). (SP) 0251 - This variant is heterozygous. (I) 0301 - Variant is absent from gnomAD (both v2 and v3). (SP) 0701 - Other NMD predicted variants comparable to the one identified in this case have very strong previous evidence for pathogenicity (DECIPHER). (SP) 0807 - This variant has no previous evidence of pathogenicity. (I) 0905 - No published segregation evidence has been identified for this variant. (I) 1007 - No published functional evidence has been identified for this variant. (I) 1102 - Strong phenotype match for this individual. (SP) Legend: (SP) - Supporting pathogenic, (I) - Information, (SB) - Supporting benign